The following is an entry in ClinVar:

ClinVar aggregate classification (germline): Uncertain significance (1 of 4 stars; one submission).

Submission:

Labcorp Genetics (formerly Invitae), Labcorp
Classification: Uncertain significance. Last evaluated: 2025-07-06. Review status: criteria provided, single submitter. Criteria: Invitae Variant Classification Sherloc (09022015). Collection method: clinical testing. Allele origin: germline.
Comment: This sequence change creates a premature translational stop signal (p.Asp655Hisfs*17) in the SLC26A1 gene. While this is not anticipated to result in nonsense mediated decay, it is expected to disrupt the last 47 amino acid(s) of the SLC26A1 protein. This variant is not present in population databases (gnomAD no frequency). This variant has not been reported in the literature in individuals affected with SLC26A1-related conditions. In summary, the available evidence is currently insufficient to determine the role of this variant in disease. Therefore, it has been classified as a Variant of Uncertain Significance.

NM_022042.4(SLC26A1):c.1963_1964del (p.Asp655fs)

Genes: IDUA (alpha-L-iduronidase; plus strand), SLC26A1 (solute carrier family 26 member 1; minus strand). Cytogenetic location: 4p16.3.
Variant type: Microsatellite.
Coding change: c.1963_1964del on transcript NM_022042.4 (MANE Select); coding-DNA positions 1963 to 1964, 2 bases deleted (GA; older notation c.1963_1964delGA).
Protein change: p.Asp655fs; shifts the reading frame from aspartic acid 655.
Molecular consequence: frameshift variant. On other transcripts: intron variant (2).
Genome position (GRCh38, 1-based): chr4:988,975-988,976, TC deleted on the plus strand (GA on the coding strand, the reverse complement: SLC26A1 is on the minus strand); deleting any 2 consecutive bases within chr4:988,975-988,980 gives the same sequence; the c. name uses the placement nearest the transcript's 3' end. VCF-style (leftmost placement, unchanged base first): chr4-988974-GTC-G. GRCh37 (hg19) VCF-style: chr4-982762-GTC-G.
Other names: c.1963_1964del, p.Asp655fs (NM_213613.4); c.576+2148GA[2] (NM_134425.4); c.299+1026TC[2] (NM_000203.5); short protein forms D655fs.
Identifiers: ClinVar variation 4767313 (VCV004767313.1).
Genomic context (GRCh38, chr4:988,974, plus strand): 5'-CTGCTCCTCCTCAGCCGTGTCCCCGGGGCCCTCCCCGAGGAAGCCTCCTCTGCTCAGAAT[GTC>G]TCTCACAGGCGGGCTGCAGCAGGCTAGCAGCAGGCTGATGCCCAGGGCCCCGTAGTCTCG-3'